The following is an entry in ClinVar:

NM_001999.4(FBN2):c.-511G>A

Gene: FBN2 (fibrillin 2; minus strand). Cytogenetic location: 5q23.3.
Variant type: single nucleotide variant.
Coding change: c.-511G>A on transcript NM_001999.4 (MANE Select); 511 bases upstream of the start codon, G replaced by A.
Molecular consequence: 5 prime UTR variant.
Genome position (GRCh38, 1-based): chr5:128,538,114, C>T on the plus strand (G>A on the coding strand, the complement: FBN2 is on the minus strand). VCF-style: chr5-128538114-C-T. GRCh37 (hg19) VCF-style: chr5-127873807-C-T.
Identifiers: ClinVar variation 675097 (VCV000675097.1), dbSNP rs7712942, ClinGen allele CA12063156.
Genomic context (GRCh38, chr5:128,538,114, plus strand): 5'-ACCAGAAAGAAACAGGCAAGCAAACAAAAGTCGCCCCCAGAAGAAGAGGAGGGTTCCCTC[C>T]GGGCTCGCTCGGAGTCCCACAGGGCAACGAAGCGCGGGTAGCGGCTGCGGAGCCGGGCGG-3'

ClinVar aggregate classification (germline): Benign (1 of 4 stars; one submission).

Allele frequency attached by ClinVar (database versions not stated): gnomAD exomes 0.33525; 1000 Genomes Project 0.43690; gnomAD 0.43993 and 0.45082; 1000 Genomes Project 30x 0.44425; TOPMed 0.45298.

Submission:

GeneDx
Classification: Benign. Last evaluated: 2018-06-18. Review status: criteria provided, single submitter. Criteria: GeneDx Variant Classification (06012015). Collection method: clinical testing. Allele origin: germline. Affected: yes.
Comment: This variant is considered likely benign or benign based on one or more of the following criteria: it is a conservative change, it occurs at a poorly conserved position in the protein, it is predicted to be benign by multiple in silico algorithms, and/or has population frequency not consistent with disease.